The following is an entry in ClinVar:

NM_001097642.3(GJB1):c.-16-513T>C

Gene: GJB1 (gap junction protein beta 1; plus strand). Cytogenetic location: Xq13.1.
Variant type: single nucleotide variant.
Coding change: c.-16-513T>C on transcript NM_001097642.3; 513 bases into the intron before 16 bases upstream of the start codon, T replaced by C.
Molecular consequence: intron variant.
Genome position (GRCh38, 1-based): chrX:71,223,179, T>C. VCF-style: chrX-71223179-T-C. GRCh37 (hg19) VCF-style: chrX-70443029-T-C.
Other names: c.-17+413T>C (NM_001440770.1).
Identifiers: ClinVar variation 543921 (VCV000543921.11), dbSNP rs1003232768, ClinGen allele CA330997536.

ClinVar aggregate classification (germline): Conflicting classifications of pathogenicity. Review status: criteria provided, conflicting classifications (1 of 4 stars). 2 submissions from 2 submitters: Pathogenic (1); Uncertain significance (1). Last evaluated 2026-02-19.

Conditions:
Charcot-Marie-Tooth Neuropathy X. Identifiers: MedGen CN118851.

Submissions (2):

GeneDx
Classification: Uncertain significance. Last evaluated: 2026-02-19. Review status: criteria provided, single submitter. Criteria: GeneDx Variant Classification Process June 2021. Collection method: clinical testing. Allele origin: germline.
Comment: Reported previously in a patient with a clinical diagnosis of CMT including slowly progressive weakness, atrophy of distal limb muscles, numbness over feet, generalized areflexia, and mild sensory loss over feet (PMID: 23827825); Published function studies show that this variant does not significantly alter luciferase activity (PMID: 23827825); No data available from control populations to assess the frequency of this variant; Located in a regulatory region; in the absence of functional studies, the actual effect of this sequence change is unknown; Also known as c.-529T>C; This variant is associated with the following publications: (PMID: 31211173, 16373087, 37284795, 23827825, 21918739)

Labcorp Genetics (formerly Invitae), Labcorp
Classification: Pathogenic for Charcot-Marie-Tooth Neuropathy X. Last evaluated: 2024-03-21. Review status: criteria provided, single submitter. Criteria: Invitae Variant Classification Sherloc (09022015). Collection method: clinical testing. Allele origin: germline.
Comment: This variant occurs in a non-coding region of the GJB1 gene. It does not change the encoded amino acid sequence of the GJB1 protein. The frequency data for this variant in the population databases is considered unreliable, as metrics indicate insufficient coverage at this position in the gnomAD database. This variant has been observed in individuals with Charcot-Marie-Tooth disease (PMID: 16373087, 21918739, 23827825; Invitae). It has also been observed to segregate with disease in related individuals. This variant is also known as c.-529T>C. ClinVar contains an entry for this variant (Variation ID: 543921). Studies have shown that this variant alters GJB1 gene expression (PMID: 23827825). For these reasons, this variant has been classified as Pathogenic.

Literature cited by the submitters: PubMed 16373087 (cited by Labcorp Genetics (formerly Invitae), Labcorp); PubMed 21918739 (cited by Labcorp Genetics (formerly Invitae), Labcorp); PubMed 23827825 (cited by Labcorp Genetics (formerly Invitae), Labcorp).